The following is an entry in ClinVar:

ClinVar aggregate classification (germline): Uncertain significance (1 of 4 stars; one submission).

Conditions:
Hereditary cancer-predisposing syndrome. Also called: Hereditary Cancer Syndrome; Tumor predisposition; Hereditary neoplastic syndrome; Neoplastic Syndromes, Hereditary. Identifiers: Orphanet 140162, MedGen C0027672, MeSH D009386, MONDO:0015356.

Submission:

Ambry Genetics
Classification: Uncertain significance for Hereditary cancer-predisposing syndrome. Last evaluated: 2024-03-19. Review status: criteria provided, single submitter. Criteria: Ambry Variant Classification Scheme 2023. Collection method: clinical testing. Allele origin: germline.
Comment: The p.E1146A variant (also known as c.3437A>C), located in coding exon 10 of the BRCA2 gene, results from an A to C substitution at nucleotide position 3437. The glutamic acid at codon 1146 is replaced by alanine, an amino acid with dissimilar properties. This amino acid position is conserved. In addition, this alteration is predicted to be tolerated by in silico analysis. Based on the available evidence, the clinical significance of this alteration remains unclear.

NM_000059.4(BRCA2):c.3437A>C (p.Glu1146Ala)

Gene: BRCA2 (BRCA2 DNA repair associated; plus strand). Cytogenetic location: 13q13.1.
Variant type: single nucleotide variant.
Coding change: c.3437A>C on transcript NM_000059.4 (MANE Select); coding-DNA position 3437, A replaced by C.
Protein change: p.Glu1146Ala; replaces glutamic acid 1146 with alanine.
Molecular consequence: missense variant. On other transcripts: non-coding transcript variant (1), intron variant (2).
Genome position (GRCh38, 1-based): chr13:32,337,792, A>C. VCF-style: chr13-32337792-A-C. GRCh37 (hg19) VCF-style: chr13-32911929-A-C.
Other names: c.3437A>C, p.Glu1146Ala (NM_001406719.1, NM_001406720.1); c.1909+4405A>C (NM_001406721.1); c.424+6762A>C (NM_001406722.1); short protein forms E1146A.
Identifiers: ClinVar variation 3261531 (VCV003261531.1).